The following is an entry in ClinVar:

ClinVar aggregate classification (germline): Likely pathogenic (1 of 4 stars; one submission).

Conditions:
Holocarboxylase synthetase deficiency. Also called: MULTIPLE CARBOXYLASE DEFICIENCY, EARLY ONSET. Identifiers: Orphanet 79242, MedGen C0268581, MONDO:0009666, OMIM 253270.

Submission:

Labcorp Genetics (formerly Invitae), Labcorp
Classification: Likely pathogenic for Holocarboxylase synthetase deficiency. Last evaluated: 2023-01-24. Review status: criteria provided, single submitter. Criteria: Invitae Variant Classification Sherloc (09022015). Collection method: clinical testing. Allele origin: germline.
Comment: In summary, the currently available evidence indicates that the variant is pathogenic, but additional data are needed to prove that conclusively. Therefore, this variant has been classified as Likely Pathogenic. Algorithms developed to predict the effect of sequence changes on RNA splicing suggest that this variant may disrupt the consensus splice site. This variant has not been reported in the literature in individuals affected with HLCS-related conditions. This variant is not present in population databases (gnomAD no frequency). This sequence change affects a donor splice site in intron 5 of the HLCS gene. It is expected to disrupt RNA splicing. Variants that disrupt the donor or acceptor splice site typically lead to a loss of protein function (PMID: 16199547), and loss-of-function variants in HLCS are known to be pathogenic (PMID: 16134170).

Literature cited by the submitters: PubMed 16199547; PubMed 16134170.

NM_001352514.2(HLCS):c.1437+1G>A

Gene: HLCS (holocarboxylase synthetase; minus strand). Cytogenetic location: 21q22.13.
Variant type: single nucleotide variant.
Coding change: c.1437+1G>A on transcript NM_001352514.2 (MANE Select); the canonical splice donor site of the intron after coding-DNA position 1437, G replaced by A.
Molecular consequence: splice donor variant.
Genome position (GRCh38, 1-based): chr21:36,936,448, C>T on the plus strand (G>A on the coding strand, the complement: HLCS is on the minus strand). VCF-style: chr21-36936448-C-T. GRCh37 (hg19) VCF-style: chr21-38308748-C-T.
Other names: c.996+1G>A (NM_001352517.1, NM_001242785.2, NM_001352515.2 and 4 more transcripts).
Identifiers: ClinVar variation 3008529 (VCV003008529.3), dbSNP rs2517574437, ClinGen allele CA409911858.